The following is an entry in ClinVar:

ClinVar aggregate classification (germline): Uncertain significance (1 of 4 stars; one submission).

Conditions:
PCNT-related disorder. Also called: PCNT-related condition.

gnomAD v4.1: 1 of 1,585,250 alleles (0.000063%); highest among the groups gnomAD compares: African/African-American, 0.0013%; no homozygotes.

Submission:

PreventionGenetics, part of Exact Sciences
Classification: Uncertain significance for PCNT-related condition. Last evaluated: 2026-06-29. Review status: criteria provided, single submitter. Criteria: ACMG Guidelines, 2015. Collection method: clinical testing. Allele origin: germline.
Comment: The PCNT c.5738G>C variant is predicted to result in the amino acid substitution p.Gly1913Ala. To our knowledge, this variant has not been reported in the literature or in a large population database (gnomAD), indicating this variant is rare. At this time, the clinical significance of this variant is uncertain due to the absence of conclusive functional and genetic evidence.

NM_006031.6(PCNT):c.5738G>C (p.Gly1913Ala)

Gene: PCNT (pericentrin; plus strand). Cytogenetic location: 21q22.3.
Variant type: single nucleotide variant.
Coding change: c.5738G>C on transcript NM_006031.6 (MANE Select); coding-DNA position 5738, G replaced by C.
Protein change: p.Gly1913Ala; replaces glycine 1913 with alanine.
Molecular consequence: missense variant.
Genome position (GRCh38, 1-based): chr21:46,411,811, G>C. VCF-style: chr21-46411811-G-C. GRCh37 (hg19) VCF-style: chr21-47831725-G-C.
Other names: c.5384G>C, p.Gly1795Ala (NM_001315529.2); short protein forms G1913A, G1795A.
Identifiers: ClinVar variation 4984911 (VCV004984911.1).